The following is an entry in ClinVar:

NM_025179.4(PLXNA2):c.4809C>T (p.Ser1603=)

Gene: PLXNA2 (plexin A2; minus strand). Cytogenetic location: 1q32.2.
Variant type: single nucleotide variant.
Coding change: c.4809C>T on transcript NM_025179.4 (MANE Select); coding-DNA position 4809, C replaced by T.
Protein change: p.Ser1603=; no amino-acid change (serine 1603 retained).
Molecular consequence: synonymous variant.
Genome position (GRCh38, 1-based): chr1:208,034,548, G>A on the plus strand (C>T on the coding strand, the complement: PLXNA2 is on the minus strand). VCF-style: chr1-208034548-G-A. GRCh37 (hg19) VCF-style: chr1-208207893-G-A.
Other names: c.4809C>T (NM_025179.3).
Identifiers: ClinVar variation 1562930 (VCV001562930.9), dbSNP rs1664612447, ClinGen allele CA422981589.

ClinVar aggregate classification (germline): Likely benign. Review status: criteria provided, multiple submitters, no conflicts (2 of 4 stars). 2 submissions from 2 submitters: Likely benign (2). Last evaluated 2025-04-14.

Conditions:
PLXNA2-related disorder. Also called: PLXNA2-related condition.

Allele frequency attached by ClinVar (database versions not stated): TOPMed 0.00001; gnomAD exomes below 0.00001; gnomAD 0.00001.
gnomAD v4.1: 4 of 1,613,976 alleles (0.00025%); highest among the groups gnomAD compares: Admixed American, 0.005%; no homozygotes.

Submissions (2):

PreventionGenetics, part of Exact Sciences
Classification: Likely benign for PLXNA2-related condition. Last evaluated: 2025-04-14. Review status: criteria provided, single submitter. Criteria: ACMG Guidelines, 2015. Collection method: clinical testing. Allele origin: germline.
Comment: This variant is classified as likely benign based on ACMG/AMP sequence variant interpretation guidelines (Richards et al. 2015 PMID: 25741868, with internal and published modifications).

Labcorp Genetics (formerly Invitae), Labcorp
Classification: Likely benign. Last evaluated: 2024-10-15. Review status: criteria provided, single submitter. Criteria: Invitae Variant Classification Sherloc (09022015). Collection method: clinical testing. Allele origin: germline.